The following is an entry in ClinVar:

NM_173546.3(KLHDC8B):c.347C>A (p.Ala116Glu)

Gene: KLHDC8B (kelch domain containing 8B; plus strand). Cytogenetic location: 3p21.31.
Variant type: single nucleotide variant.
Coding change: c.347C>A on transcript NM_173546.3 (MANE Select); coding-DNA position 347, C replaced by A.
Protein change: p.Ala116Glu; replaces alanine 116 with glutamic acid.
Molecular consequence: missense variant.
Genome position (GRCh38, 1-based): chr3:49,173,116, C>A. VCF-style: chr3-49173116-C-A. GRCh37 (hg19) VCF-style: chr3-49210549-C-A.
Other names: short protein forms A116E.
Identifiers: ClinVar variation 4778587 (VCV004778587.1).

ClinVar aggregate classification (germline): Uncertain significance (1 of 4 stars; one submission).

gnomAD v4.1: 1 of 1,576,786 alleles (0.000063%); highest among the groups gnomAD compares: Non-Finnish European, 0.000086%; no homozygotes.

Submission:

Labcorp Genetics (formerly Invitae), Labcorp
Classification: Uncertain significance. Last evaluated: 2025-04-24. Review status: criteria provided, single submitter. Criteria: Invitae Variant Classification Sherloc (09022015). Collection method: clinical testing. Allele origin: germline.
Comment: This sequence change replaces alanine, which is neutral and non-polar, with glutamic acid, which is acidic and polar, at codon 116 of the KLHDC8B protein (p.Ala116Glu). The frequency data for this variant in the population databases is considered unreliable, as metrics indicate poor data quality at this position in the gnomAD database. This variant has not been reported in the literature in individuals affected with KLHDC8B-related conditions. An algorithm developed to predict the effect of missense changes on protein structure and function (PolyPhen-2) suggests that this variant is likely to be tolerated. In summary, the available evidence is currently insufficient to determine the role of this variant in disease. Therefore, it has been classified as a Variant of Uncertain Significance.